The following is an entry in ClinVar:

NM_001625.4(AK2):c.424A>G (p.Arg142Gly)

Gene: AK2 (adenylate kinase 2; minus strand). Cytogenetic location: 1p35.1.
Variant type: single nucleotide variant.
Coding change: c.424A>G on transcript NM_001625.4 (MANE Select); coding-DNA position 424, A replaced by G.
Protein change: p.Arg142Gly; replaces arginine 142 with glycine.
Molecular consequence: missense variant. On other transcripts: intron variant (2).
Genome position (GRCh38, 1-based): chr1:33,021,368, T>C on the plus strand (A>G on the coding strand, the complement: AK2 is on the minus strand). VCF-style: chr1-33021368-T-C. GRCh37 (hg19) VCF-style: chr1-33486969-T-C.
Other names: c.280A>G, p.Arg94Gly (NM_001319139.3, NM_001319140.2); c.424A>G, p.Arg142Gly (NM_001319141.3, NM_013411.5); c.298A>G, p.Arg100Gly (NM_001319142.3); c.330+225A>G (NM_001319143.2); c.401+23A>G (NM_001199199.3); short protein forms R142G, R100G, R94G.
Identifiers: ClinVar variation 1897639 (VCV001897639.5), dbSNP rs2522070802, ClinGen allele CA339701943.
Genomic context (GRCh38, chr1:33,021,368, plus strand): 5'-TTCTCAGAGTTTGAGAAAGCTCTGAGAAGCATGAAAAGGGACCTTCAAGGGACAAATACC[T>C]TCCTGTGATTCTTCGGATCAGCAGAGAGTCTGGGATGCTGAATTCAATCACAGAATCAAG-3'
Protein context (NP_001616.1, residues 132-152): DSLLIRRITG[Arg142Gly]LIHPKSGRSY

ClinVar aggregate classification (germline): Uncertain significance (1 of 4 stars; one submission).

Conditions:
Reticular dysgenesis. Also called: ALEUKOCYTOSIS; CONGENITAL ALEUKIA; HEMATOPOIETIC HYPOPLASIA, GENERALIZED; RETICULAR DYSGENESIA; SEVERE COMBINED IMMUNODEFICIENCY WITH LEUKOPENIA; DeVaal disease. Identifiers: Orphanet 33355, MedGen C0272167, MONDO:0009973, OMIM 267500.

Submission:

Labcorp Genetics (formerly Invitae), Labcorp
Classification: Uncertain significance for Reticular dysgenesis. Last evaluated: 2022-04-11. Review status: criteria provided, single submitter. Criteria: Invitae Variant Classification Sherloc (09022015). Collection method: clinical testing. Allele origin: germline.
Comment: Algorithms developed to predict the effect of sequence changes on RNA splicing suggest that this variant may disrupt the consensus splice site. Algorithms developed to predict the effect of missense changes on protein structure and function (SIFT, PolyPhen-2, Align-GVGD) all suggest that this variant is likely to be disruptive. In summary, the available evidence is currently insufficient to determine the role of this variant in disease. Therefore, it has been classified as a Variant of Uncertain Significance. This variant is not present in population databases (gnomAD no frequency). This variant has not been reported in the literature in individuals affected with AK2-related conditions. This sequence change replaces arginine, which is basic and polar, with glycine, which is neutral and non-polar, at codon 142 of the AK2 protein (p.Arg142Gly).